The following is an entry in ClinVar:

NM_004036.5(ADCY3):c.159G>A (p.Met53Ile)

Gene: ADCY3 (adenylate cyclase 3; minus strand). Cytogenetic location: 2p23.3.
Variant type: single nucleotide variant.
Coding change: c.159G>A on transcript NM_004036.5 (MANE Select); coding-DNA position 159, G replaced by A.
Protein change: p.Met53Ile; replaces methionine 53 with isoleucine.
Molecular consequence: missense variant.
Genome position (GRCh38, 1-based): chr2:24,918,829, C>T on the plus strand (G>A on the coding strand, the complement: ADCY3 is on the minus strand). VCF-style: chr2-24918829-C-T. GRCh37 (hg19) VCF-style: chr2-25141698-C-T.
Other names: c.159G>A, p.Met53Ile (NM_001320613.2, NM_001377128.1, NM_001377129.1 and 2 more transcripts); short protein forms M53I.
Identifiers: ClinVar variation 4993789 (VCV004993789.1).

ClinVar aggregate classification (germline): Uncertain significance (1 of 4 stars; one submission).

Conditions:
ADCY3-related disorder. Also called: ADCY3-related condition.

Submission:

PreventionGenetics, part of Exact Sciences
Classification: Uncertain significance for ADCY3-related condition. Last evaluated: 2024-11-10. Review status: criteria provided, single submitter. Criteria: ACMG Guidelines, 2015. Collection method: clinical testing. Allele origin: germline.
Comment: The ADCY3 c.159G>A variant is predicted to result in the amino acid substitution p.Met53Ile. To our knowledge, this variant has not been reported in the literature or in a large population database (gnomAD), indicating this variant is rare. At this time, the clinical significance of this variant is uncertain due to the absence of conclusive functional and genetic evidence.